The following is an entry in ClinVar:

ClinVar aggregate classification (germline): Uncertain significance (1 of 4 stars; one submission).

Conditions:
Long QT syndrome (LQTS). Identifiers: MedGen C0023976, MeSH D008133, MONDO:0002442. Disease mechanism: loss of function. Inheritance: Various modes of inheritance.

Submission:

Labcorp Genetics (formerly Invitae), Labcorp
Classification: Uncertain significance for Long QT syndrome. Last evaluated: 2025-12-30. Review status: criteria provided, single submitter. Criteria: Invitae Variant Classification Sherloc (09022015). Collection method: clinical testing. Allele origin: germline.
Comment: This sequence change replaces leucine, which is neutral and non-polar, with proline, which is neutral and non-polar, at codon 1138 of the KCNH2 protein (p.Leu1138Pro). This variant is not present in population databases (gnomAD no frequency). This variant has not been reported in the literature in individuals affected with KCNH2-related conditions. An algorithm developed to predict the effect of missense changes on protein structure and function (PolyPhen-2) suggests that this variant is likely to be disruptive. In summary, the available evidence is currently insufficient to determine the role of this variant in disease. Therefore, it has been classified as a Variant of Uncertain Significance.

NM_000238.4(KCNH2):c.3413T>C (p.Leu1138Pro)

Gene: KCNH2 (potassium voltage-gated channel subfamily H member 2; minus strand). Cytogenetic location: 7q36.1.
Variant type: single nucleotide variant.
Coding change: c.3413T>C on transcript NM_000238.4 (MANE Select); coding-DNA position 3413, T replaced by C.
Protein change: p.Leu1138Pro; replaces leucine 1138 with proline.
Molecular consequence: missense variant. On other transcripts: non-coding transcript variant (2).
Genome position (GRCh38, 1-based): chr7:150,945,432, A>G on the plus strand (T>C on the coding strand, the complement: KCNH2 is on the minus strand). VCF-style: chr7-150945432-A-G. GRCh37 (hg19) VCF-style: chr7-150642520-A-G.
Other names: c.3125T>C, p.Leu1042Pro (NM_001406753.1); c.2393T>C, p.Leu798Pro (NM_172057.3); short protein forms L1042P, L1138P, L798P.
Identifiers: ClinVar variation 4734402 (VCV004734402.1).